The following is an entry in ClinVar:

NM_013254.4(TBK1):c.1631C>T (p.Pro544Leu)

Gene: TBK1 (TANK binding kinase 1; plus strand). Cytogenetic location: 12q14.2.
Variant type: single nucleotide variant.
Coding change: c.1631C>T on transcript NM_013254.4 (MANE Select); coding-DNA position 1631, C replaced by T.
Protein change: p.Pro544Leu; replaces proline 544 with leucine.
Molecular consequence: missense variant.
Genome position (GRCh38, 1-based): chr12:64,495,592, C>T. VCF-style: chr12-64495592-C-T. GRCh37 (hg19) VCF-style: chr12-64889372-C-T.
Other names: c.1631C>T (NM_013254.3); short protein forms P544L.
Identifiers: ClinVar variation 2881685 (VCV002881685.6), dbSNP rs753372288, ClinGen allele CA6669110.

ClinVar aggregate classification (germline): Uncertain significance. Review status: criteria provided, multiple submitters, no conflicts (2 of 4 stars). 2 submissions from 2 submitters: Uncertain significance (2). Last evaluated 2025-10-14.

Conditions:
TBK1-related disorder. Also called: TBK1-related condition.
Frontotemporal dementia and/or amyotrophic lateral sclerosis 4. Also called: FTDALS4. Identifiers: Orphanet 275872, MedGen C4225325, MONDO:0014641, OMIM 616439.

Allele frequency attached by ClinVar (database versions not stated): gnomAD exomes 0.00001; gnomAD 0.00003; TOPMed 0.00003; ExAC 0.00005.
gnomAD v4.1: 21 of 1,613,728 alleles (0.0013%); highest among the groups gnomAD compares: East Asian, 0.016%; no homozygotes.

Submissions (2):

PreventionGenetics, part of Exact Sciences
Classification: Uncertain significance for TBK1-related condition. Last evaluated: 2025-10-14. Review status: criteria provided, single submitter. Criteria: ACMG Guidelines, 2015. Collection method: clinical testing. Allele origin: germline.
Comment: The TBK1 c.1631C>T variant is predicted to result in the amino acid substitution p.Pro544Leu. This variant has been reported in an individual with amyotrophic lateral sclerosis (Table S1, Sun et al. 2020. PubMed ID: 33087425). This variant is reported in 0.022% of alleles in individuals of East Asian descent in gnomAD. Although we suspect that this variant may be benign, at this time, the clinical significance of this variant is uncertain due to the absence of conclusive functional and genetic evidence.

Labcorp Genetics (formerly Invitae), Labcorp
Classification: Uncertain significance for Frontotemporal dementia and/or amyotrophic lateral sclerosis 4. Last evaluated: 2023-09-29. Review status: criteria provided, single submitter. Criteria: Invitae Variant Classification Sherloc (09022015). Collection method: clinical testing. Allele origin: germline.
Comment: Advanced modeling of protein sequence and biophysical properties (such as structural, functional, and spatial information, amino acid conservation, physicochemical variation, residue mobility, and thermodynamic stability) performed at Invitae indicates that this missense variant is not expected to disrupt TBK1 protein function. In summary, the available evidence is currently insufficient to determine the role of this variant in disease. Therefore, it has been classified as a Variant of Uncertain Significance. This variant has not been reported in the literature in individuals affected with TBK1-related conditions. This sequence change replaces proline, which is neutral and non-polar, with leucine, which is neutral and non-polar, at codon 544 of the TBK1 protein (p.Pro544Leu). This variant is present in population databases (rs753372288, gnomAD 0.02%).